The following is an entry in ClinVar:

NM_006164.5(NFE2L2):c.1802A>T (p.Asp601Val)

Gene: NFE2L2 (NFE2 like bZIP transcription factor 2; minus strand). Cytogenetic location: 2q31.2.
Variant type: single nucleotide variant.
Coding change: c.1802A>T on transcript NM_006164.5 (MANE Select); coding-DNA position 1802, A replaced by T.
Protein change: p.Asp601Val; replaces aspartic acid 601 with valine.
Molecular consequence: missense variant.
Genome position (GRCh38, 1-based): chr2:177,230,801, T>A on the plus strand (A>T on the coding strand, the complement: NFE2L2 is on the minus strand). VCF-style: chr2-177230801-T-A. GRCh37 (hg19) VCF-style: chr2-178095529-T-A.
Other names: c.1754A>T, p.Asp585Val (NM_001145412.3, NM_001313900.1, NM_001313901.1); c.1733A>T, p.Asp578Val (NM_001145413.3); c.1712A>T, p.Asp571Val (NM_001313902.2); c.1583A>T, p.Asp528Val (NM_001313903.2); c.1502A>T, p.Asp501Val (NM_001313904.1); short protein forms D528V, D571V, D601V, D501V, D585V, D578V.
Identifiers: ClinVar variation 2759986 (VCV002759986.3), dbSNP rs2468282491, ClinGen allele CA349365550.

ClinVar aggregate classification (germline): Uncertain significance (1 of 4 stars; one submission).

Allele frequency attached by ClinVar (database versions not stated): gnomAD exomes below 0.00001.
gnomAD v4.1: 2 of 1,586,102 alleles (0.00013%); highest among the groups gnomAD compares: Admixed American, 0.0019%; no homozygotes.

Submission:

Labcorp Genetics (formerly Invitae), Labcorp
Classification: Uncertain significance. Last evaluated: 2023-09-10. Review status: criteria provided, single submitter. Criteria: Invitae Variant Classification Sherloc (09022015). Collection method: clinical testing. Allele origin: germline.
Comment: In summary, the available evidence is currently insufficient to determine the role of this variant in disease. Therefore, it has been classified as a Variant of Uncertain Significance. An algorithm developed to predict the effect of missense changes on protein structure and function (PolyPhen-2) suggests that this variant is likely to be tolerated. This variant has not been reported in the literature in individuals affected with NFE2L2-related conditions. This variant is not present in population databases (gnomAD no frequency). This sequence change replaces aspartic acid, which is acidic and polar, with valine, which is neutral and non-polar, at codon 601 of the NFE2L2 protein (p.Asp601Val).